The following is an entry in ClinVar:

ClinVar aggregate classification (germline): Uncertain significance (1 of 4 stars; one submission).

Submission:

GeneDx
Classification: Uncertain significance. Last evaluated: 2022-01-07. Review status: criteria provided, single submitter. Criteria: GeneDx Variant Classification Process June 2021. Collection method: clinical testing. Allele origin: germline. Affected: yes.
Comment: Not observed at significant frequency in large population cohorts (gnomAD); Nonsense variant predicted to result in protein truncation or nonsense mediated decay in a gene for which loss-of-function is not a known mechanism of disease; Has not been previously published as pathogenic or benign to our knowledge; Variants in candidate genes are classified as variants of uncertain significance in accordance with ACMG guidelines (Richards et al., 2015)

NM_001330700.2(TOP2B):c.1024A>T (p.Lys342Ter)

Gene: TOP2B (DNA topoisomerase II beta; minus strand). Cytogenetic location: 3p24.2.
Variant type: single nucleotide variant.
Coding change: c.1024A>T on transcript NM_001330700.2 (MANE Select); coding-DNA position 1024, A replaced by T.
Protein change: p.Lys342Ter; replaces lysine 342 with a stop codon.
Molecular consequence: nonsense.
Genome position (GRCh38, 1-based): chr3:25,633,843, T>A on the plus strand (A>T on the coding strand, the complement: TOP2B is on the minus strand). VCF-style: chr3-25633843-T-A. GRCh37 (hg19) VCF-style: chr3-25675334-T-A.
Other names: c.1009A>T, p.Lys337Ter (NM_001068.3); short protein forms K337*, K342*.
Identifiers: ClinVar variation 1695484 (VCV001695484.2), dbSNP rs2125382407, ClinGen allele CA351911455.